The following is an entry in ClinVar:

ClinVar aggregate classification (germline): Uncertain significance (1 of 4 stars; one submission).

Conditions:
Autosomal dominant nocturnal frontal lobe epilepsy 5. Also called: KCNT1-Related Epilepsy; CILIARY DYSKINESIA, PRIMARY, 28, WITHOUT SITUS INVERSUS; CILIARY DYSKINESIA, PRIMARY, 28, WITH SITUS INVERSUS; Epilepsy, nocturnal frontal lobe, 5. Identifiers: Orphanet 98784, MedGen C3554306, MONDO:0014002, OMIM 615005.
Developmental and epileptic encephalopathy, 14 (DEE14). Also called: Early infantile epileptic encephalopathy 14. Identifiers: Orphanet 293181, MedGen C3554195, MONDO:0013989, OMIM 614959.

Submission:

Labcorp Genetics (formerly Invitae), Labcorp
Classification: Uncertain significance for Autosomal dominant nocturnal frontal lobe epilepsy 5; Developmental and epileptic encephalopathy, 14. Last evaluated: 2022-03-23. Review status: criteria provided, single submitter. Criteria: Invitae Variant Classification Sherloc (09022015). Collection method: clinical testing. Allele origin: germline.
Comment: In summary, the available evidence is currently insufficient to determine the role of this variant in disease. Therefore, it has been classified as a Variant of Uncertain Significance. Advanced modeling of protein sequence and biophysical properties (such as structural, functional, and spatial information, amino acid conservation, physicochemical variation, residue mobility, and thermodynamic stability) performed at Invitae indicates that this missense variant is not expected to disrupt KCNT1 protein function. ClinVar contains an entry for this variant (Variation ID: 1002143). This variant has not been reported in the literature in individuals affected with KCNT1-related conditions. This variant is not present in population databases (gnomAD no frequency). This sequence change replaces glycine, which is neutral and non-polar, with arginine, which is basic and polar, at codon 652 of the KCNT1 protein (p.Gly652Arg).

NM_020822.3(KCNT1):c.1954G>A (p.Gly652Arg)

Gene: KCNT1 (potassium sodium-activated channel subfamily T member 1; plus strand). Cytogenetic location: 9q34.3.
Variant type: single nucleotide variant.
Coding change: c.1954G>A on transcript NM_020822.3 (MANE Select); coding-DNA position 1954, G replaced by A.
Protein change: p.Gly652Arg; replaces glycine 652 with arginine.
Molecular consequence: missense variant.
Genome position (GRCh38, 1-based): chr9:135,771,041, G>A. VCF-style: chr9-135771041-G-A. GRCh37 (hg19) VCF-style: chr9-138662887-G-A.
Other names: c.1819G>A, p.Gly607Arg (NM_001272003.2); short protein forms G607R, G652R.
Identifiers: ClinVar variation 1002143 (VCV001002143.9), dbSNP rs1832720528, ClinGen allele CA375508696.